The following is an entry in ClinVar:

ClinVar aggregate classification (germline): Conflicting classifications of pathogenicity. Review status: criteria provided, conflicting classifications (1 of 4 stars). 4 submissions from 4 submitters: Uncertain significance (2); Benign (1). 1 of the submissions does not count toward it. Last evaluated 2026-02-13.

Conditions:
Hereditary cancer-predisposing syndrome. Also called: Tumor predisposition; Neoplastic Syndromes, Hereditary; Hereditary Cancer Syndrome; Hereditary neoplastic syndrome. Identifiers: Orphanet 140162, MedGen C0027672, MeSH D009386, MONDO:0015356.
Ataxia-telangiectasia syndrome (AT). Also called: ATAXIA-TELANGIECTASIA, COMPLEMENTATION GROUP A; ATAXIA-TELANGIECTASIA, FRESNO VARIANT; Ataxia-telangiectasia; Ataxia-telangiectasia, complementation group D; AT, COMPLEMENTATION GROUP C; Ataxia-telangiectasia, complementation group E. Identifiers: Orphanet 100, MedGen C0004135, MONDO:0008840, OMIM 208900.

Allele frequency attached by ClinVar (database versions not stated): gnomAD exomes below 0.00001.
gnomAD v4.1: 3 of 1,612,766 alleles (0.00019%); highest among the groups gnomAD compares: Non-Finnish European, 0.00017%; no homozygotes.

Submissions (4):

Ambry Genetics
Classification: Benign for Hereditary cancer-predisposing syndrome. Last evaluated: 2026-02-13. Review status: criteria provided, single submitter. Criteria: Ambry Variant Classification Scheme 2023. Collection method: clinical testing. Allele origin: germline.

Labcorp Genetics (formerly Invitae), Labcorp
Classification: Uncertain significance for Ataxia-telangiectasia syndrome. Last evaluated: 2022-03-23. Review status: criteria provided, single submitter. Criteria: Invitae Variant Classification Sherloc (09022015). Collection method: clinical testing. Allele origin: germline.
Comment: This sequence change replaces asparagine, which is neutral and polar, with serine, which is neutral and polar, at codon 2088 of the ATM protein (p.Asn2088Ser). This variant is not present in population databases (gnomAD no frequency). This variant has not been reported in the literature in individuals affected with ATM-related conditions. ClinVar contains an entry for this variant (Variation ID: 839500). Advanced modeling of protein sequence and biophysical properties (such as structural, functional, and spatial information, amino acid conservation, physicochemical variation, residue mobility, and thermodynamic stability) performed at Invitae indicates that this missense variant is not expected to disrupt ATM protein function. RNA analysis performed to evaluate the impact of this missense change on mRNA splicing indicates it does not significantly alter splicing (Invitae). In summary, the available evidence is currently insufficient to determine the role of this variant in disease. Therefore, it has been classified as a Variant of Uncertain Significance.

Women's Health and Genetics/Laboratory Corporation of America, LabCorp
Classification: Uncertain significance. Last evaluated: 2020-07-02. Review status: criteria provided, single submitter. Criteria: LabCorp Variant Classification Summary - May 2015. Collection method: clinical testing. Allele origin: germline.
Comment: Variant summary: ATM c.6263A>G (p.Asn2088Ser) results in a conservative amino acid change located in the PIK-related kinase domain (IPR014009) of the encoded protein sequence. Four of five in-silico tools predict a benign effect of the variant on protein function. The variant was absent in 251422 control chromosomes (gnomAD). The available data on variant occurrences in the general population are insufficient to allow any conclusion about variant significance. To our knowledge, no occurrence of c.6263A>G in individuals affected with Breast Cancer and no experimental evidence demonstrating its impact on protein function have been reported. One ClinVar submitter (evaluation after 2014) cites the variant as uncertain significance. Based on the evidence outlined above, the variant was classified as uncertain significance.

Natera, Inc.
Classification: Uncertain significance for Ataxia-telangiectasia. Last evaluated: 2021-03-17. Review status: no assertion criteria provided. Collection method: clinical testing. Allele origin: germline. Not counted in ClinVar's aggregate classification.

NM_000051.4(ATM):c.6263A>G (p.Asn2088Ser)

Genes: ATM (ATM serine/threonine kinase; plus strand), C11orf65 (chromosome 11 open reading frame 65; minus strand). Cytogenetic location: 11q22.3.
Variant type: single nucleotide variant.
Coding change: c.6263A>G on transcript NM_000051.4 (MANE Select); coding-DNA position 6263, A replaced by G.
Protein change: p.Asn2088Ser; replaces asparagine 2088 with serine.
Molecular consequence: missense variant. On other transcripts: intron variant (2).
Genome position (GRCh38, 1-based): chr11:108,317,437, A>G. VCF-style: chr11-108317437-A-G. GRCh37 (hg19) VCF-style: chr11-108188164-A-G.
Other names: c.6263A>G, p.Asn2088Ser (NM_001351834.2); c.641-8366T>C (NM_001330368.2); c.*39-8366T>C (NM_001351110.2); short protein forms N2088S.
Identifiers: ClinVar variation 839500 (VCV000839500.21), dbSNP rs2084783116, ClinGen allele CA382551899.
Genomic context (GRCh38, chr11:108,317,437, plus strand): 5'-TGCAGAATTTGGGACTCTGCCATATTCTTTCCGTCTATTTAAAAGGATTGGATTATGAAA[A>G]TAAAGACTGGTGTCCTGAACTAGAAGAACTTCATTACCAAGCAGCATGGAGGAATATGCA-3'
Protein context (NP_000042.3, residues 2078-2098): SVYLKGLDYE[Asn2088Ser]KDWCPELEEL